The following is an entry in ClinVar:

ClinVar aggregate classification (germline): Pathogenic. Review status: no assertion criteria provided (0 of 4 stars). 3 submissions from 3 submitters: Pathogenic (2). 1 of the submissions does not count toward it. Last evaluated 2020-11-01.

Conditions:
von Willebrand disease type 3 (VWD3). Also called: Type 3 Von Willebrand's disease; Type 3 VWD; Von Willebrand disease, severe form; V WD3; VON WILLEBRAND DISEASE, TYPE III. Identifiers: Orphanet 166096, MedGen C1264041, MONDO:0010191, OMIM 277480.

Allele frequency attached by ClinVar (database versions not stated): gnomAD exomes below 0.00001.
gnomAD v4.1: 4 of 1,613,530 alleles (0.00025%); highest among the groups gnomAD compares: Non-Finnish European, 0.00034%; no homozygotes.

Submissions (3):

Angelo Bianchi Bonomi Hemophilia and Thrombosis Center, Fondazione IRCCS Ca Granda Ospedale Maggiore Policlinico
Classification: Pathogenic for von Willebrand disease type 3. Last evaluated: 2020-11-01. Review status: no assertion criteria provided. Collection method: clinical testing. Allele origin: germline. Affected: yes. Study: Type 3 Von Willebrand International Registries Inhibitor Prospective Study (3WINTERS-IPS).
Comment: ClinGen Pathogenicity Calculator

OMIM
Classification: Pathogenic for VON WILLEBRAND DISEASE, TYPE 3. Last evaluated: 2006-05-01. Review status: no assertion criteria provided. Collection method: literature only. Allele origin: germline.

Academic Unit of Haematology, University of Sheffield
No classification provided. Review status: no classification provided. Collection method: not provided. Allele origin: not provided. Not counted in ClinVar's aggregate classification.

Literature cited by the submitters: PubMed 9569178 (cited by OMIM); PubMed 16643449 (cited by OMIM).

NM_000552.5(VWF):c.7085G>T (p.Cys2362Phe)

Gene: VWF (von Willebrand factor; minus strand). Cytogenetic location: 12p13.31.
Variant type: single nucleotide variant.
Coding change: c.7085G>T on transcript NM_000552.5 (MANE Select); coding-DNA position 7085, G replaced by T.
Protein change: p.Cys2362Phe; replaces cysteine 2362 with phenylalanine.
Molecular consequence: missense variant.
Genome position (GRCh38, 1-based): chr12:5,981,988, C>A on the plus strand (G>T on the coding strand, the complement: VWF is on the minus strand). VCF-style: chr12-5981988-C-A. GRCh37 (hg19) VCF-style: chr12-6091154-C-A.
Other names: short protein forms C2362F.
Identifiers: ClinVar variation 315 (VCV000000315.4), dbSNP rs61750630, ClinGen allele CA114172.